The following is an entry in ClinVar:

NM_003921.5(BCL10):c.151G>C (p.Asp51His)

Gene: BCL10 (BCL10 immune signaling adaptor; minus strand). Cytogenetic location: 1p22.3.
Variant type: single nucleotide variant.
Coding change: c.151G>C on transcript NM_003921.5 (MANE Select); coding-DNA position 151, G replaced by C.
Protein change: p.Asp51His; replaces aspartic acid 51 with histidine.
Molecular consequence: missense variant.
Genome position (GRCh38, 1-based): chr1:85,270,813, C>G on the plus strand (G>C on the coding strand, the complement: BCL10 is on the minus strand). VCF-style: chr1-85270813-C-G. GRCh37 (hg19) VCF-style: chr1-85736496-C-G.
Other names: c.151G>C, p.Asp51His (LRG_1210t1, NM_001320715.2); short protein forms D51H.
Identifiers: ClinVar variation 651016 (VCV000651016.6), dbSNP rs1570333814, ClinGen allele CA340951867.

ClinVar aggregate classification (germline): Uncertain significance (1 of 4 stars; one submission).

Conditions:
Immunodeficiency 37 (IMD37). Identifiers: MedGen C4015195, MONDO:0014491, OMIM 616098.

Submission:

Labcorp Genetics (formerly Invitae), Labcorp
Classification: Uncertain significance for Immunodeficiency 37. Last evaluated: 2018-07-19. Review status: criteria provided, single submitter. Criteria: Invitae Variant Classification Sherloc (09022015). Collection method: clinical testing. Allele origin: germline.
Comment: In summary, the available evidence is currently insufficient to determine the role of this variant in disease. Therefore, it has been classified as a Variant of Uncertain Significance. Algorithms developed to predict the effect of missense changes on protein structure and function (SIFT, PolyPhen-2, Align-GVGD) all suggest that this variant is likely to be disruptive, but these predictions have not been confirmed by published functional studies and their clinical significance is uncertain. This variant has not been reported in the literature in individuals with BCL10-related disease. This variant is not present in population databases (ExAC no frequency). This sequence change replaces aspartic acid with histidine at codon 51 of the BCL10 protein (p.Asp51His). The aspartic acid residue is highly conserved and there is a moderate physicochemical difference between aspartic acid and histidine.